The following is an entry in ClinVar:

NM_213599.3(ANO5):c.1207C>T (p.Gln403Ter)

Gene: ANO5 (anoctamin 5; plus strand). Cytogenetic location: 11p14.3.
Variant type: single nucleotide variant.
Coding change: c.1207C>T on transcript NM_213599.3 (MANE Select); coding-DNA position 1207, C replaced by T.
Protein change: p.Gln403Ter; replaces glutamine 403 with a stop codon.
Molecular consequence: nonsense.
Genome position (GRCh38, 1-based): chr11:22,255,397, C>T. VCF-style: chr11-22255397-C-T. GRCh37 (hg19) VCF-style: chr11-22276943-C-T.
Other names: c.1204C>T, p.Gln402Ter (NM_001142649.2); c.1207C>T (NM_213599.2); short protein forms Q403*, Q402*.
Identifiers: ClinVar variation 500532 (VCV000500532.11), dbSNP rs1554930267, ClinGen allele CA379921410.

ClinVar aggregate classification (germline): Pathogenic/Likely pathogenic. Review status: criteria provided, multiple submitters, no conflicts (2 of 4 stars). 3 submissions from 3 submitters: Pathogenic (2); Likely pathogenic (1). Last evaluated 2024-07-30.

Conditions:
Gnathodiaphyseal dysplasia (GDD). Also called: GNATHODIAPHYSEAL SCLEROSIS; OSTEOGENESIS IMPERFECTA WITH UNUSUAL SKELETAL LESIONS. Identifiers: Orphanet 53697, MedGen C1833736, MONDO:0008151, OMIM 166260.
Autosomal recessive limb-girdle muscular dystrophy type 2L (LGMDR12). Also called: MUSCULAR DYSTROPHY, LIMB-GIRDLE, AUTOSOMAL RECESSIVE 12; Limb-Girdle Muscular Dystrophy R12 Anoctamin-5-Related (LGMD-R12); Limb-girdle muscular dystrophy, type 2L. Identifiers: Orphanet 206549, MedGen C1969785, MONDO:0012652, OMIM 611307.

Allele frequency attached by ClinVar (database versions not stated): gnomAD exomes below 0.00001; TOPMed below 0.00001.

Submissions (3):

GeneDx
Classification: Likely pathogenic. Last evaluated: 2024-07-30. Review status: criteria provided, single submitter. Criteria: GeneDx Variant Classification Process June 2021. Collection method: clinical testing. Allele origin: germline. Affected: yes.
Comment: Identified in a patient with limb-girdle muscular dystrophy who also harbors a second ANO5 variant in the published literature (PMID: 25891276); Nonsense variant predicted to result in protein truncation or nonsense mediated decay in a gene for which loss of function is a known mechanism of disease; Not observed at significant frequency in large population cohorts (gnomAD); This variant is associated with the following publications: (PMID: 30564623, 25891276)

Labcorp Genetics (formerly Invitae), Labcorp
Classification: Pathogenic for Autosomal recessive limb-girdle muscular dystrophy type 2L; Gnathodiaphyseal dysplasia. Last evaluated: 2023-05-16. Review status: criteria provided, single submitter. Criteria: Invitae Variant Classification Sherloc (09022015). Collection method: clinical testing. Allele origin: germline.
Comment: For these reasons, this variant has been classified as Pathogenic. ClinVar contains an entry for this variant (Variation ID: 500532). This premature translational stop signal has been observed in individual(s) with limb-girdle muscular dystrophy (PMID: 25891276). This variant is not present in population databases (gnomAD no frequency). This sequence change creates a premature translational stop signal (p.Gln403*) in the ANO5 gene. It is expected to result in an absent or disrupted protein product. Loss-of-function variants in ANO5 are known to be pathogenic (PMID: 21186264, 23606453, 25891276, 30919934).

Eurofins Ntd Llc (ga)
Classification: Pathogenic. Last evaluated: 2017-02-24. Review status: criteria provided, single submitter. Criteria: EGL Classification Definitions 2015. Collection method: clinical testing. Allele origin: germline. Observed: 1 variant allele, 1 heterozygote.

Literature cited by the submitters: PubMed 25891276 (cited by Labcorp Genetics (formerly Invitae), Labcorp and Eurofins Ntd Llc (ga)); PubMed 21186264 (cited by Labcorp Genetics (formerly Invitae), Labcorp); PubMed 23606453 (cited by Labcorp Genetics (formerly Invitae), Labcorp); PubMed 30919934 (cited by Labcorp Genetics (formerly Invitae), Labcorp).